The following is an entry in ClinVar:

ClinVar aggregate classification (germline): Uncertain significance (1 of 4 stars; one submission).

Allele frequency attached by ClinVar (database versions not stated): ExAC 0.00002; gnomAD exomes 0.00002; gnomAD 0.00007; TOPMed 0.00007.
gnomAD v4.1: 36 of 1,613,094 alleles (0.0022%); highest among the groups gnomAD compares: African/African-American, 0.012%; no homozygotes.

Submission:

Labcorp Genetics (formerly Invitae), Labcorp
Classification: Uncertain significance. Last evaluated: 2025-12-10. Review status: criteria provided, single submitter. Criteria: Invitae Variant Classification Sherloc (09022015). Collection method: clinical testing. Allele origin: germline.
Comment: This sequence change replaces arginine, which is basic and polar, with histidine, which is basic and polar, at codon 2067 of the DCHS1 protein (p.Arg2067His). This variant is present in population databases (rs751656295, gnomAD 0.01%). This missense change has been observed in individual(s) with congenital anomalies of the kidney and urinary tract (CAKUT) (PMID: 26489027). ClinVar contains an entry for this variant (Variation ID: 2735535). Invitae Evidence Modeling of protein sequence and biophysical properties (such as structural, functional, and spatial information, amino acid conservation, physicochemical variation, residue mobility, and thermodynamic stability) indicates that this missense variant is not expected to disrupt DCHS1 protein function with a negative predictive value of 80%. In summary, the available evidence is currently insufficient to determine the role of this variant in disease. Therefore, it has been classified as a Variant of Uncertain Significance.

Literature cited by the submitters: PubMed 26489027.

NM_003737.4(DCHS1):c.6200G>A (p.Arg2067His)

Gene: DCHS1 (dachsous cadherin-related 1; minus strand). Cytogenetic location: 11p15.4.
Variant type: single nucleotide variant.
Coding change: c.6200G>A on transcript NM_003737.4 (MANE Select); coding-DNA position 6200, G replaced by A.
Protein change: p.Arg2067His; replaces arginine 2067 with histidine.
Molecular consequence: missense variant.
Genome position (GRCh38, 1-based): chr11:6,626,839, C>T on the plus strand (G>A on the coding strand, the complement: DCHS1 is on the minus strand). VCF-style: chr11-6626839-C-T. GRCh37 (hg19) VCF-style: chr11-6648070-C-T.
Other names: short protein forms R2067H.
Identifiers: ClinVar variation 2735535 (VCV002735535.3), dbSNP rs751656295, ClinGen allele CA5859942.